The following is an entry in ClinVar:

ClinVar aggregate classification (germline): Uncertain significance (1 of 4 stars; one submission).

Allele frequency attached by ClinVar (database versions not stated): gnomAD exomes below 0.00001; TOPMed 0.00001.
gnomAD v4.1: 2 of 1,613,986 alleles (0.00012%); highest among the groups gnomAD compares: East Asian, 0.0022%; no homozygotes.

Submission:

Labcorp Genetics (formerly Invitae), Labcorp
Classification: Uncertain significance. Last evaluated: 2021-09-24. Review status: criteria provided, single submitter. Criteria: Invitae Variant Classification Sherloc (09022015). Collection method: clinical testing. Allele origin: germline.
Comment: This sequence change replaces isoleucine with valine at codon 2193 of the CDH23 protein (p.Ile2193Val). The isoleucine residue is highly conserved and there is a small physicochemical difference between isoleucine and valine. This variant is not present in population databases (ExAC no frequency). This variant has not been reported in the literature in individuals affected with CDH23-related conditions. Algorithms developed to predict the effect of missense changes on protein structure and function are either unavailable or do not agree on the potential impact of this missense change (SIFT: "Tolerated"; PolyPhen-2: "Not Available"; Align-GVGD: "Class C0"). In summary, the available evidence is currently insufficient to determine the role of this variant in disease. Therefore, it has been classified as a Variant of Uncertain Significance.

NM_022124.6(CDH23):c.6577A>G (p.Ile2193Val)

Gene: CDH23 (cadherin related 23; plus strand). Cytogenetic location: 10q22.1.
Variant type: single nucleotide variant.
Coding change: c.6577A>G on transcript NM_022124.6 (MANE Select); coding-DNA position 6577, A replaced by G.
Protein change: p.Ile2193Val; replaces isoleucine 2193 with valine.
Molecular consequence: missense variant.
Genome position (GRCh38, 1-based): chr10:71,793,505, A>G. VCF-style: chr10-71793505-A-G. GRCh37 (hg19) VCF-style: chr10-73553262-A-G.
Other names: short protein forms I2193V.
Identifiers: ClinVar variation 2169202 (VCV002169202.1), dbSNP rs1381655616, ClinGen allele CA377155344.